The following is an entry in ClinVar:

NM_025114.4(CEP290):c.188C>T (p.Ala63Val)

Gene: CEP290 (centrosomal protein 290; minus strand). Cytogenetic location: 12q21.32.
Variant type: single nucleotide variant.
Coding change: c.188C>T on transcript NM_025114.4 (MANE Select); coding-DNA position 188, C replaced by T.
Protein change: p.Ala63Val; replaces alanine 63 with valine.
Molecular consequence: missense variant.
Genome position (GRCh38, 1-based): chr12:88,139,557, G>A on the plus strand (C>T on the coding strand, the complement: CEP290 is on the minus strand). VCF-style: chr12-88139557-G-A. GRCh37 (hg19) VCF-style: chr12-88533334-G-A.
Other names: c.188C>T (NM_025114.3); short protein forms A63V.
Identifiers: ClinVar variation 1020815 (VCV001020815.4), dbSNP rs769705891, ClinGen allele CA6712880.
Genomic context (GRCh38, chr12:88,139,557, plus strand): 5'-AATTTTGCTTGTTCTTCTCCAGCTTTTTCTACTTCTTCCAAAGCCAGCTCCACTTCTTGA[G>A]CTTTCATCTAAACATTAAAAAAAGGTTATTTCAATATGCCTTTATACTGGAATGTAAGCA-3'
Protein context (NP_079390.3, residues 53-73): RITQSLMKMK[Ala63Val]QEVELALEEV

ClinVar aggregate classification (germline): Uncertain significance. Review status: criteria provided, multiple submitters, no conflicts (2 of 4 stars). 3 submissions from 3 submitters: Uncertain significance (2). 1 of the submissions does not count toward it. Last evaluated 2025-07-15.

Conditions:
Joubert syndrome. Also called: Familial aplasia of the vermis; CEREBELLOPARENCHYMAL DISORDER IV; JOUBERT-BOLTSHAUSER SYNDROME. Identifiers: Orphanet 475, MedGen C5979921, MONDO:0018772.
Meckel-Gruber syndrome. Also called: Dysencephalia splachnocystica; DYSENCEPHALIA SPLANCHNOCYSTICA; GRUBER SYNDROME. Identifiers: Orphanet 564, MedGen C0265215, MONDO:0018921.
Nephronophthisis. Also called: Juvenile Nephronophthisis. Identifiers: Orphanet 655, MedGen C0687120, MONDO:0019005, HP:0000090.
Inborn genetic diseases. Identifiers: MedGen C0950123, MeSH D030342.
Leber congenital amaurosis (LCA). Also called: Leber's amaurosis. Identifiers: Orphanet 65, MedGen C0339527, MeSH D057130, MONDO:0018998.

Allele frequency attached by ClinVar (database versions not stated): gnomAD exomes below 0.00001; ExAC 0.00001; gnomAD 0.00001.
gnomAD v4.1: 13 of 1,573,850 alleles (0.00083%); highest among the groups gnomAD compares: South Asian, 0.013%; no homozygotes.

Submissions (3):

Ambry Genetics
Classification: Uncertain significance for Inborn genetic diseases. Last evaluated: 2025-07-15. Review status: criteria provided, single submitter. Criteria: Ambry Variant Classification Scheme 2023. Collection method: clinical testing. Allele origin: germline.

Labcorp Genetics (formerly Invitae), Labcorp
Classification: Uncertain significance for Joubert syndrome; Meckel-Gruber syndrome; Nephronophthisis. Last evaluated: 2022-06-20. Review status: criteria provided, single submitter. Criteria: Invitae Variant Classification Sherloc (09022015). Collection method: clinical testing. Allele origin: germline.
Comment: This sequence change replaces alanine, which is neutral and non-polar, with valine, which is neutral and non-polar, at codon 63 of the CEP290 protein (p.Ala63Val). This variant is present in population databases (rs769705891, gnomAD 0.004%). This variant has not been reported in the literature in individuals affected with CEP290-related conditions. ClinVar contains an entry for this variant (Variation ID: 1020815). Algorithms developed to predict the effect of missense changes on protein structure and function are either unavailable or do not agree on the potential impact of this missense change (SIFT: "Deleterious"; PolyPhen-2: "Possibly Damaging"; Align-GVGD: "Class C0"). In summary, the available evidence is currently insufficient to determine the role of this variant in disease. Therefore, it has been classified as a Variant of Uncertain Significance.

Natera, Inc.
Classification: Uncertain significance for Leber congenital amaurosis. Last evaluated: 2020-07-02. Review status: no assertion criteria provided. Collection method: clinical testing. Allele origin: germline. Not counted in ClinVar's aggregate classification.